The following is an entry in ClinVar:

ClinVar aggregate classification (germline): Likely pathogenic (1 of 4 stars; one submission).

Conditions:
Neurodevelopmental disorder with eye movement abnormalities and ataxia. Identifiers: MedGen C5774241, MONDO:0859305, OMIM 620094.

Submission:

Victorian Clinical Genetics Services, Murdoch Childrens Research Institute
Classification: Likely pathogenic for Neurodevelopmental disorder with eye movement abnormalities and ataxia. Last evaluated: 2024-10-23. Review status: criteria provided, single submitter. Criteria: ACMG Guidelines, 2015. Collection method: clinical testing. Allele origin: germline. Affected: yes.
Comment: This variant is classified as Likely pathogenic. Evidence in support of pathogenic classification: Variant is absent from gnomAD (v2, v3 and v4); This variant has limited previous evidence of pathogenicity in an unrelated individual. This variant has been identified in a multi-generational family with early onset episodic nystagmus (Hammar, B. et al. 2024); This variant has strong evidence for segregation with disease. This variant has been identified to segregate with disease in a multi-generational family with early onset episodic nystagmus (Hammar, B. et al. 2024); Missense variant consistently predicted to be damaging by in silico tool or highly conserved with a major amino acid change; Additional information: Variant is predicted to result in a missense amino acid change from serine to phenylalanine; This variant is heterozygous; This gene is associated with autosomal dominant disease; No published functional evidence has been identified for this variant; No comparable missense variants have previous evidence for pathogenicity; Variant is not located in an established domain, motif, hotspot or informative constraint region; The mechanism of disease for this gene is not clearly established. However, dominant negative is a suggested mechanism based on functional assays using a Drosophila model (PMID: 36206744); Variants in this gene are known to have variable expressivity. One family has been reported with episodic nystagmus as the only clinical feature (Hammar, B. et al. 2024).

Literature cited by the submitters: PubMed 36206744.

NM_032892.5(FRMD5):c.1124C>T (p.Ser375Phe)

Gene: FRMD5 (FERM domain containing 5; minus strand). Cytogenetic location: 15q15.3.
Variant type: single nucleotide variant.
Coding change: c.1124C>T on transcript NM_032892.5 (MANE Select); coding-DNA position 1124, C replaced by T.
Protein change: p.Ser375Phe; replaces serine 375 with phenylalanine.
Molecular consequence: missense variant. On other transcripts: non-coding transcript variant (1).
Genome position (GRCh38, 1-based): chr15:43,883,714, G>A on the plus strand (C>T on the coding strand, the complement: FRMD5 is on the minus strand). VCF-style: chr15-43883714-G-A. GRCh37 (hg19) VCF-style: chr15-44175912-G-A.
Other names: c.842C>T, p.Ser281Phe (NM_001286490.2); c.422C>T, p.Ser141Phe (NM_001286491.2); c.1124C>T, p.Ser375Phe (NM_001322949.2, NM_001322950.2, NM_001411124.1); c.1019C>T, p.Ser340Phe (NM_001322951.2); short protein forms S141F, S281F, S340F, S375F.
Identifiers: ClinVar variation 4531500 (VCV004531500.1).